The following is an entry in ClinVar:

ClinVar aggregate classification (germline): Uncertain significance (1 of 4 stars; one submission).

Conditions:
ZEB2-related disorder. Also called: ZEB2-related condition.

Submission:

PreventionGenetics, part of Exact Sciences
Classification: Uncertain significance for ZEB2-related condition. Last evaluated: 2022-10-03. Review status: criteria provided, single submitter. Criteria: ACMG Guidelines, 2015. Collection method: clinical testing. Allele origin: germline.
Comment: The ZEB2 c.1220A>G variant is predicted to result in the amino acid substitution p.His407Arg. To our knowledge, this variant has not been reported in the literature or in a large population database, indicating this variant is rare. At this time, the clinical significance of this variant is uncertain due to the absence of conclusive functional and genetic evidence.

NM_014795.4(ZEB2):c.1220A>G (p.His407Arg)

Gene: ZEB2 (zinc finger E-box binding homeobox 2; minus strand). Cytogenetic location: 2q22.3.
Variant type: single nucleotide variant.
Coding change: c.1220A>G on transcript NM_014795.4 (MANE Select); coding-DNA position 1220, A replaced by G.
Protein change: p.His407Arg; replaces histidine 407 with arginine.
Molecular consequence: missense variant.
Genome position (GRCh38, 1-based): chr2:144,399,967, T>C on the plus strand (A>G on the coding strand, the complement: ZEB2 is on the minus strand). VCF-style: chr2-144399967-T-C. GRCh37 (hg19) VCF-style: chr2-145157534-T-C.
Other names: c.1148A>G, p.His383Arg (NM_001171653.2); short protein forms H383R, H407R.
Identifiers: ClinVar variation 2636959 (VCV002636959.1), dbSNP rs757875316, ClinGen allele CA57556137.